The following is an entry in ClinVar:

NM_000057.4(BLM):c.1313C>G (p.Pro438Arg)

Gene: BLM (BLM RecQ like helicase; plus strand). Cytogenetic location: 15q26.1.
Variant type: single nucleotide variant.
Coding change: c.1313C>G on transcript NM_000057.4 (MANE Select); coding-DNA position 1313, C replaced by G.
Protein change: p.Pro438Arg; replaces proline 438 with arginine.
Molecular consequence: missense variant.
Genome position (GRCh38, 1-based): chr15:90,760,686, C>G. VCF-style: chr15-90760686-C-G. GRCh37 (hg19) VCF-style: chr15-91303916-C-G.
Other names: c.1313C>G, p.Pro438Arg (NM_001287246.2, NM_001287247.2); c.188C>G, p.Pro63Arg (NM_001287248.2); short protein forms P438R, P63R.
Identifiers: ClinVar variation 4867484 (VCV004867484.1).

ClinVar aggregate classification (germline): Uncertain significance (1 of 4 stars; one submission).

Conditions:
Hereditary cancer-predisposing syndrome. Also called: Neoplastic Syndromes, Hereditary; Tumor predisposition; Hereditary Cancer Syndrome; Hereditary neoplastic syndrome. Identifiers: Orphanet 140162, MedGen C0027672, MeSH D009386, MONDO:0015356.

Submission:

Ambry Genetics
Classification: Uncertain significance for Hereditary cancer-predisposing syndrome. Last evaluated: 2026-04-02. Review status: criteria provided, single submitter. Criteria: Ambry Variant Classification Scheme 2023. Collection method: clinical testing. Allele origin: germline.
Comment: The p.P438R variant (also known as c.1313C>G), located in coding exon 6 of the BLM gene, results from a C to G substitution at nucleotide position 1313. The proline at codon 438 is replaced by arginine, an amino acid with dissimilar properties. This amino acid position is conserved. In addition, this alteration is predicted to be tolerated by in silico analysis. Based on the available evidence, the clinical significance of this variant remains unclear.